The following is an entry in ClinVar:

ClinVar aggregate classification (germline): Uncertain significance (1 of 4 stars; one submission).

Conditions:
Atrioventricular septal defect 5 (AVSD5). Identifiers: MedGen C3280939, MONDO:0013769, OMIM 614474.

Submission:

Labcorp Genetics (formerly Invitae), Labcorp
Classification: Uncertain significance for Atrioventricular septal defect 5. Last evaluated: 2022-08-29. Review status: criteria provided, single submitter. Criteria: Invitae Variant Classification Sherloc (09022015). Collection method: clinical testing. Allele origin: germline.
Comment: In summary, the available evidence is currently insufficient to determine the role of this variant in disease. Therefore, it has been classified as a Variant of Uncertain Significance. Experimental studies and prediction algorithms are not available or were not evaluated, and the functional significance of this variant is currently unknown. This variant has not been reported in the literature in individuals affected with GATA6-related conditions. This variant is not present in population databases (gnomAD no frequency). This variant, c.984_998del, results in the deletion of 5 amino acid(s) of the GATA6 protein (p.His329_His333del), but otherwise preserves the integrity of the reading frame.

NM_005257.6(GATA6):c.969CCA[5] (p.His329_His333del)

Gene: GATA6 (GATA binding protein 6; plus strand). Cytogenetic location: 18q11.2.
Variant type: Microsatellite.
Coding change: c.969CCA[5] on transcript NM_005257.6 (MANE Select); five copies in a row of the 3-base unit CCA starting at c.969; the reference has ten copies in a row; five copies, 15 bases deleted.
Protein change: p.His329_His333del.
Molecular consequence: inframe deletion.
Genome position (GRCh38, 1-based): chr18:22,172,128-22,172,142, CCACCACCACCACCA deleted; deleting any 15 consecutive bases within chr18:22,172,112-22,172,142 gives the same sequence; the position shown is the placement nearest the transcript's 3' end. VCF-style (leftmost placement, unchanged base first): chr18-22172111-TACCACCACCACCACC-T. GRCh37 (hg19) VCF-style: chr18-19752072-TACCACCACCACCACC-T.
Identifiers: ClinVar variation 2193657 (VCV002193657.4), dbSNP rs562588574, ClinGen allele CA2289547415.